The following is an entry in ClinVar:

ClinVar aggregate classification (germline): Uncertain significance. Review status: criteria provided, multiple submitters, no conflicts (2 of 4 stars). 3 submissions from 3 submitters: Uncertain significance (3). Last evaluated 2026-02-10.

Conditions:
Autosomal recessive ataxia, Beauce type. Also called: ATAXIA, RECESSIVE, OF BEAUCE; Spinocerebellar ataxia, autosomal recessive 8; SYNE1-Related Autosomal Recessive Cerebellar Ataxia; SYNE1 Deficiency. Identifiers: Orphanet 88644, MedGen C1853116, MONDO:0012549, OMIM 610743.
Emery-Dreifuss muscular dystrophy 4, autosomal dominant (EDMD4). Also called: EMERY-DREIFUSS MUSCULAR DYSTROPHY 4 WITH VARIABLE FEATURES. Identifiers: Orphanet 261, MedGen C2751807, MONDO:0013071, OMIM 612998.

Allele frequency attached by ClinVar (database versions not stated): gnomAD exomes 0.00002; gnomAD 0.00003; ExAC 0.00004.
gnomAD v4.1: 16 of 1,614,046 alleles (0.00099%); highest among the groups gnomAD compares: Admixed American, 0.005%; no homozygotes.

Submissions (3):

Dasa
Classification: Uncertain significance. Last evaluated: 2026-02-10. Review status: criteria provided, single submitter. Criteria: DASA Assertion Criteria. Collection method: clinical testing. Allele origin: germline.
Comment: NM_182961.4(SYNE1):c.14847G>C (p.Lys4949Asn) is a missense variant that results in the substitution of lysine with asparagine. This variant is rare in population databases. The currently available literature and clinical evidence are not sufficient to establish a definitive association between this variant and the reported condition. Therefore, this variant is classified as a variant of uncertain significance.

Labcorp Genetics (formerly Invitae), Labcorp
Classification: Uncertain significance for Emery-Dreifuss muscular dystrophy 4, autosomal dominant; Autosomal recessive ataxia, Beauce type. Last evaluated: 2025-09-02. Review status: criteria provided, single submitter. Criteria: Invitae Variant Classification Sherloc (09022015). Collection method: clinical testing. Allele origin: germline.
Comment: This sequence change replaces lysine, which is basic and polar, with asparagine, which is neutral and polar, at codon 4878 of the SYNE1 protein (p.Lys4878Asn). This variant is present in population databases (rs762502490, gnomAD 0.003%). This variant has not been reported in the literature in individuals affected with SYNE1-related conditions. ClinVar contains an entry for this variant (Variation ID: 1482891). An algorithm developed to predict the effect of missense changes on protein structure and function (PolyPhen-2) suggests that this variant is likely to be disruptive. In summary, the available evidence is currently insufficient to determine the role of this variant in disease. Therefore, it has been classified as a Variant of Uncertain Significance.

Revvity Omics, Revvity
Classification: Uncertain significance. Last evaluated: 2025-06-25. Review status: criteria provided, single submitter. Criteria: ACMG Guidelines, 2015. Collection method: clinical testing. Allele origin: germline.

NM_182961.4(SYNE1):c.14847G>C (p.Lys4949Asn)

Gene: SYNE1 (spectrin repeat containing nuclear envelope protein 1; minus strand). Cytogenetic location: 6q25.2.
Variant type: single nucleotide variant.
Coding change: c.14847G>C on transcript NM_182961.4 (MANE Select); coding-DNA position 14847, G replaced by C.
Protein change: p.Lys4949Asn; replaces lysine 4949 with asparagine.
Molecular consequence: missense variant.
Genome position (GRCh38, 1-based): chr6:152,329,838, C>G on the plus strand (G>C on the coding strand, the complement: SYNE1 is on the minus strand). VCF-style: chr6-152329838-C-G. GRCh37 (hg19) VCF-style: chr6-152650973-C-G.
Other names: c.14634G>C (NM_033071.3); c.14634G>C, p.Lys4878Asn (NM_033071.5); short protein forms K4949N, K4878N.
Identifiers: ClinVar variation 1482891 (VCV001482891.11), dbSNP rs762502490, ClinGen allele CA4055936.